The following is an entry in ClinVar:

NM_005120.3(MED12):c.6218A>G (p.Gln2073Arg)

Gene: MED12 (mediator complex subunit 12; plus strand). Cytogenetic location: Xq13.1.
Variant type: single nucleotide variant.
Coding change: c.6218A>G on transcript NM_005120.3 (MANE Select); coding-DNA position 6218, A replaced by G.
Protein change: p.Gln2073Arg; replaces glutamine 2073 with arginine.
Molecular consequence: missense variant.
Genome position (GRCh38, 1-based): chrX:71,140,808, A>G. VCF-style: chrX-71140808-A-G. GRCh37 (hg19) VCF-style: chrX-70360658-A-G.
Other names: short protein forms Q2073R.
Identifiers: ClinVar variation 955261 (VCV000955261.11), dbSNP rs2092345351, ClinGen allele CA413540645.
Genomic context (GRCh38, chrX:71,140,808, plus strand): 5'-AGCAGCAGCAACAGCAGCAACAGCAACAGCAGCAGCAGCAGCAACAGCAACAGCAGCAGC[A>G]GCAGCAGCAGTACCACATCCGGCAGCAGCAGCAGCAGCAGATCCTGCGGGTAAGGCACTG-3'
Protein context (NP_005111.2, residues 2063-2083): QQQQQQQQQQ[Gln2073Arg]QQQYHIRQQQ

ClinVar aggregate classification (germline): Uncertain significance. Review status: criteria provided, multiple submitters, no conflicts (2 of 4 stars). 2 submissions from 2 submitters: Uncertain significance (2). Last evaluated 2026-01-14.

Conditions:
FG syndrome (FGS). Identifiers: MedGen C0220769, MONDO:0002010.
Familial thoracic aortic aneurysm and aortic dissection (TAAD). Also called: Thoracic aortic aneurysms and dissections. Identifiers: Orphanet 91387, MedGen C4707243, MONDO:0019625.

Allele frequency attached by ClinVar (database versions not stated): TOPMed 0.00001; gnomAD 0.00002.

Submissions (2):

Labcorp Genetics (formerly Invitae), Labcorp
Classification: Uncertain significance for FG syndrome. Last evaluated: 2026-01-14. Review status: criteria provided, single submitter. Criteria: Invitae Variant Classification Sherloc (09022015). Collection method: clinical testing. Allele origin: germline.
Comment: This sequence change replaces glutamine, which is neutral and polar, with arginine, which is basic and polar, at codon 2073 of the MED12 protein (p.Gln2073Arg). This variant is not present in population databases (gnomAD no frequency). This variant has not been reported in the literature in individuals affected with MED12-related conditions. ClinVar contains an entry for this variant (Variation ID: 955261). Invitae Evidence Modeling of protein sequence and biophysical properties (such as structural, functional, and spatial information, amino acid conservation, physicochemical variation, residue mobility, and thermodynamic stability) indicates that this missense variant is not expected to disrupt MED12 protein function with a negative predictive value of 95%. In summary, the available evidence is currently insufficient to determine the role of this variant in disease. Therefore, it has been classified as a Variant of Uncertain Significance.

Ambry Genetics
Classification: Uncertain significance for Familial thoracic aortic aneurysm and aortic dissection. Last evaluated: 2024-06-11. Review status: criteria provided, single submitter. Criteria: Ambry Variant Classification Scheme 2023. Collection method: clinical testing. Allele origin: germline.
Comment: The p.Q2073R variant (also known as c.6218A>G), located in coding exon 42 of the MED12 gene, results from an A to G substitution at nucleotide position 6218. The glutamine at codon 2073 is replaced by arginine, an amino acid with highly similar properties. This amino acid position is conserved. In addition, this alteration is predicted to be tolerated by in silico analysis. Based on the available evidence, the clinical significance of this variant remains unclear.